The following is an entry in ClinVar:

ClinVar aggregate classification (germline): Uncertain significance (1 of 4 stars; one submission).

Submission:

Labcorp Genetics (formerly Invitae), Labcorp
Classification: Uncertain significance. Last evaluated: 2022-03-14. Review status: criteria provided, single submitter. Criteria: Invitae Variant Classification Sherloc (09022015). Collection method: clinical testing. Allele origin: germline.
Comment: In summary, the available evidence is currently insufficient to determine the role of this variant in disease. Therefore, it has been classified as a Variant of Uncertain Significance. Algorithms developed to predict the effect of missense changes on protein structure and function are either unavailable or do not agree on the potential impact of this missense change (SIFT: "Deleterious"; PolyPhen-2: "Not Available"; Align-GVGD: "Class C0"). This variant has not been reported in the literature in individuals affected with COL7A1-related conditions. This variant is not present in population databases (gnomAD no frequency). This sequence change replaces valine, which is neutral and non-polar, with leucine, which is neutral and non-polar, at codon 875 of the COL7A1 protein (p.Val875Leu).

NM_000094.4(COL7A1):c.2623G>C (p.Val875Leu)

Gene: COL7A1 (collagen type VII alpha 1 chain; minus strand). Cytogenetic location: 3p21.31.
Variant type: single nucleotide variant.
Coding change: c.2623G>C on transcript NM_000094.4 (MANE Select); coding-DNA position 2623, G replaced by C.
Protein change: p.Val875Leu; replaces valine 875 with leucine.
Molecular consequence: missense variant.
Genome position (GRCh38, 1-based): chr3:48,588,369, C>G on the plus strand (G>C on the coding strand, the complement: COL7A1 is on the minus strand). VCF-style: chr3-48588369-C-G. GRCh37 (hg19) VCF-style: chr3-48625802-C-G.
Other names: short protein forms V875L.
Identifiers: ClinVar variation 2032678 (VCV002032678.4), dbSNP rs200864582, ClinGen allele CA352717834.